The following is an entry in ClinVar:

ClinVar aggregate classification (germline): Uncertain significance. Review status: criteria provided, multiple submitters, no conflicts (2 of 4 stars). 11 submissions from 11 submitters: Uncertain significance (10). 1 of the submissions does not count toward it. Last evaluated 2026-01-06.

Conditions:
Hereditary cancer-predisposing syndrome. Also called: Hereditary Cancer Syndrome; Hereditary neoplastic syndrome; Tumor predisposition; Neoplastic Syndromes, Hereditary. Identifiers: Orphanet 140162, MedGen C0027672, MeSH D009386, MONDO:0015356.
RAD51D-related disorder. Also called: RAD51D-related condition.
Breast-ovarian cancer, familial, susceptibility to, 4. Identifiers: Orphanet 145, MedGen C3280345, MONDO:0013669, OMIM 614291.
Breast-ovarian cancer, familial, susceptibility to, 1 (BROVCA1). Also called: OVARIAN CANCER, SUSCEPTIBILITY TO; BRCA1 Hereditary Breast and Ovarian Cancer. Identifiers: Orphanet 145, MedGen C2676676, MONDO:0011450, OMIM 604370. Disease mechanism: loss of function.

Allele frequency attached by ClinVar (database versions not stated): gnomAD exomes below 0.00001; gnomAD 0.00001; TOPMed 0.00002; ESP Exome Variant Server 0.00008.
gnomAD v4.1: 7 of 1,614,046 alleles (0.00043%); highest among the groups gnomAD compares: African/African-American, 0.0013%; no homozygotes.

Submissions (11):

Labcorp Genetics (formerly Invitae), Labcorp
Classification: Uncertain significance for Breast-ovarian cancer, familial, susceptibility to, 4. Last evaluated: 2026-01-06. Review status: criteria provided, single submitter. Criteria: Invitae Variant Classification Sherloc (09022015). Collection method: clinical testing. Allele origin: germline.
Comment: This sequence change replaces arginine, which is basic and polar, with glutamine, which is neutral and polar, at codon 275 of the RAD51D protein (p.Arg275Gln). This variant is present in population databases (rs368914740, gnomAD 0.0009%). This missense change has been observed in individual(s) with breast cancer and/or prostate cancer (PMID: 32658311, 32832836). ClinVar contains an entry for this variant (Variation ID: 185774). Invitae Evidence Modeling of protein sequence and biophysical properties (such as structural, functional, and spatial information, amino acid conservation, physicochemical variation, residue mobility, and thermodynamic stability) indicates that this missense variant is not expected to disrupt RAD51D protein function with a negative predictive value of 80%. In summary, the available evidence is currently insufficient to determine the role of this variant in disease. Therefore, it has been classified as a Variant of Uncertain Significance.

Center for Genomic Medicine, Rigshospitalet, Copenhagen University Hospital
Classification: Uncertain significance. Last evaluated: 2025-12-29. Review status: criteria provided, single submitter. Criteria: ACMG Guidelines, 2015. Collection method: clinical testing. Allele origin: germline.

Color Diagnostics, LLC DBA Color Health
Classification: Uncertain significance for Hereditary cancer-predisposing syndrome. Last evaluated: 2025-08-18. Review status: criteria provided, single submitter. Criteria: ACMG Guidelines, 2015. Collection method: clinical testing. Allele origin: germline.
Comment: This missense variant replaces arginine with glutamine at codon 275 of the RAD51D protein. Computational prediction is inconclusive regarding the impact of this variant on protein structure and function. To our knowledge, functional studies have not been reported for this variant. This variant has not been reported in individuals affected with RAD51D-related disorders in the literature. This variant has been identified in 1/251444 chromosomes in the general population by the Genome Aggregation Database (gnomAD). The available evidence is insufficient to determine the role of this variant in disease conclusively. Therefore, this variant is classified as a Variant of Uncertain Significance.

Institute of Immunology and Genetics Kaiserslautern
Classification: Uncertain significance for Breast-ovarian cancer, familial, susceptibility to, 1. Last evaluated: 2025-07-29. Review status: criteria provided, single submitter. Criteria: ACMG Guidelines, 2015. Collection method: clinical testing. Allele origin: germline. Affected: yes.
Comment: ACMG Criteria: PM2_P, PP3.

Ambry Genetics
Classification: Uncertain significance for Hereditary cancer-predisposing syndrome. Last evaluated: 2024-12-27. Review status: criteria provided, single submitter. Criteria: Ambry Variant Classification Scheme 2023. Collection method: clinical testing. Allele origin: germline.
Comment: The p.R275Q variant (also known as c.824G>A), located in coding exon 9 of the RAD51D gene, results from a G to A substitution at nucleotide position 824. The arginine at codon 275 is replaced by glutamine, an amino acid with highly similar properties. This amino acid position is highly conserved in available vertebrate species. In addition, this alteration is predicted to be deleterious by in silico analysis. Since supporting evidence is limited at this time, the clinical significance of this alteration remains unclear.

GeneDx
Classification: Uncertain significance. Last evaluated: 2024-09-24. Review status: criteria provided, single submitter. Criteria: GeneDx Variant Classification Process June 2021. Collection method: clinical testing. Allele origin: germline. Affected: yes.
Comment: Not observed at significant frequency in large population cohorts (gnomAD); In silico analysis supports that this missense variant has a deleterious effect on protein structure/function; Identified in an individual undergoing multi-gene hereditary cancer panel testing, who also carried a pathogenic variant in CHEK2 (PMID: 35534704); This variant is associated with the following publications: (PMID: 21111057, 14704354, 19327148, 35534704)

Blueprint Genetics
Classification: Uncertain significance. Last evaluated: 2024-08-28. Review status: criteria provided, single submitter. Criteria: ACMG Guidelines, 2015. Collection method: clinical testing. Allele origin: germline.

Quest Diagnostics Nichols Institute San Juan Capistrano
Classification: Uncertain significance. Last evaluated: 2024-07-03. Review status: criteria provided, single submitter. Criteria: Quest Diagnostics criteria. Collection method: clinical testing. Allele origin: unknown.
Comment: The RAD51D c.824G>A (p.Arg275Gln) variant has been reported in the published literature in an individual with breast cancer (PMID: 32658311 (2011)). This variant has also been identified in a cohort of individuals with prostate cancer and reportedly healthy individuals (PMID: 32832836 (2020)). The frequency of this variant in the general population, 0.000004 (1/251444 chromosomes (Genome Aggregation Database)), is uninformative in the assessment of its pathogenicity. Analysis of this variant using bioinformatics tools for the prediction of the effect of amino acid changes on protein structure and function yielded conflicting predictions that this variant is benign or damaging. Based on the available information, we are unable to determine the clinical significance of this variant.

Baylor Genetics
Classification: Uncertain significance for Breast-ovarian cancer, familial, susceptibility to, 4. Last evaluated: 2024-02-06. Review status: criteria provided, single submitter. Criteria: ACMG Guidelines, 2015. Collection method: clinical testing. Allele origin: unknown.

Genetics and Molecular Pathology, SA Pathology
Classification: Uncertain significance for Breast-ovarian cancer, familial, susceptibility to, 4. Last evaluated: 2021-03-04. Review status: criteria provided, single submitter. Criteria: ACMG Guidelines, 2015. Collection method: clinical testing. Allele origin: germline. Inheritance: Autosomal dominant inheritance. Affected: yes.

PreventionGenetics, part of Exact Sciences
Classification: Uncertain significance for RAD51D-related condition. Last evaluated: 2024-08-05. Review status: no assertion criteria provided. Collection method: clinical testing. Allele origin: germline. Not counted in ClinVar's aggregate classification.
Comment: The RAD51D c.824G>A variant is predicted to result in the amino acid substitution p.Arg275Gln. This variant is reported in 0.00088% of alleles in individuals of European (Non-Finnish) descent in gnomAD and is classified as a variant of uncertain significance in ClinVar. At this time, the clinical significance of this variant is uncertain due to the absence of conclusive functional and genetic evidence.

Literature cited by the submitters: PubMed 32658311 (cited by Labcorp Genetics (formerly Invitae), Labcorp and Quest Diagnostics Nichols Institute San Juan Capistrano); PubMed 32832836 (cited by Labcorp Genetics (formerly Invitae), Labcorp and Quest Diagnostics Nichols Institute San Juan Capistrano).

NM_002878.4(RAD51D):c.824G>A (p.Arg275Gln)

Genes: RAD51D (RAD51 paralog D; minus strand), RAD51L3-RFFL (RAD51L3-RFFL readthrough; minus strand). Cytogenetic location: 17q12.
Variant type: single nucleotide variant.
Coding change: c.824G>A on transcript NM_002878.4 (MANE Select); coding-DNA position 824, G replaced by A.
Protein change: p.Arg275Gln; replaces arginine 275 with glutamine.
Molecular consequence: missense variant. On other transcripts: non-coding transcript variant (3).
Genome position (GRCh38, 1-based): chr17:35,101,280, C>T on the plus strand (G>A on the coding strand, the complement: RAD51D is on the minus strand). VCF-style: chr17-35101280-C-T. GRCh37 (hg19) VCF-style: chr17-33428299-C-T.
Other names: c.884G>A, p.Arg295Gln (NM_001142571.2); c.488G>A, p.Arg163Gln (NM_133629.3); short protein forms R275Q, R295Q, R163Q.
Identifiers: ClinVar variation 185774 (VCV000185774.32), dbSNP rs368914740, ClinGen allele CA192891.